The following is an entry in ClinVar:

NM_004369.4(COL6A3):c.5067C>T (p.Asp1689=)

Gene: COL6A3 (collagen type VI alpha 3 chain; minus strand). Cytogenetic location: 2q37.3.
Variant type: single nucleotide variant.
Coding change: c.5067C>T on transcript NM_004369.4 (MANE Select); coding-DNA position 5067, C replaced by T.
Protein change: p.Asp1689=; no amino-acid change (aspartic acid 1689 retained).
Molecular consequence: synonymous variant.
Genome position (GRCh38, 1-based): chr2:237,367,120, G>A on the plus strand (C>T on the coding strand, the complement: COL6A3 is on the minus strand). VCF-style: chr2-237367120-G-A. GRCh37 (hg19) VCF-style: chr2-238275763-G-A.
Other names: c.3246C>T, p.Asp1082= (NM_057166.5); c.4449C>T, p.Asp1483= (NM_057167.4).
Identifiers: ClinVar variation 757886 (VCV000757886.18), dbSNP rs370475865, ClinGen allele CA2188750.

ClinVar aggregate classification (germline): Likely benign. Review status: criteria provided, multiple submitters, no conflicts (2 of 4 stars). 2 submissions from 2 submitters: Likely benign (2). Last evaluated 2025-04-01.

Conditions:
Bethlem myopathy 1A. Also called: Bethlem myopathy 1; MYOPATHY, BENIGN CONGENITAL, WITH CONTRACTURES; Bethlem Muscular Dystrophy. Identifiers: Orphanet 610, MedGen CN029274, MONDO:0024530, OMIM 158810.

Allele frequency attached by ClinVar (database versions not stated): ExAC 0.00001; TOPMed 0.00003.
gnomAD v4.1: 24 of 1,614,068 alleles (0.0015%); highest among the groups gnomAD compares: Middle Eastern, 0.033%; no homozygotes.

Submissions (2):

CeGaT Center for Human Genetics Tuebingen
Classification: Likely benign. Last evaluated: 2025-04-01. Review status: criteria provided, single submitter. Criteria: CeGaT Center For Human Genetics Tuebingen Variant Classification Criteria Version 2. Collection method: clinical testing. Allele origin: germline. Affected: yes. Observed: 1 variant allele.
Comment: COL6A3: BP4, BP7

Labcorp Genetics (formerly Invitae), Labcorp
Classification: Likely benign for Bethlem myopathy 1A. Last evaluated: 2024-10-07. Review status: criteria provided, single submitter. Criteria: Invitae Variant Classification Sherloc (09022015). Collection method: clinical testing. Allele origin: germline.